The following is an entry in ClinVar:

ClinVar aggregate classification (germline): Likely benign (1 of 4 stars; one submission).

Allele frequency attached by ClinVar (database versions not stated): ExAC 0.00271; ESP Exome Variant Server 0.00292; gnomAD 0.00293; 1000 Genomes Project 30x 0.00328; TOPMed 0.00346; 1000 Genomes Project 0.00359; gnomAD exomes 0.00387.
gnomAD v4.1: 6,109 of 1,614,196 alleles (0.38%); highest among the groups gnomAD compares: Admixed American, 0.46%; 10 homozygotes.

Submission:

CeGaT Center for Human Genetics Tuebingen
Classification: Likely benign. Last evaluated: 2024-03-01. Review status: criteria provided, single submitter. Criteria: CeGaT Center For Human Genetics Tuebingen Variant Classification Criteria Version 2. Collection method: clinical testing. Allele origin: germline. Affected: yes. Observed: 1 variant allele.
Comment: TRPC4AP: BP4, BP7, BS2

NM_015638.3(TRPC4AP):c.1764G>A (p.Glu588=)

Gene: TRPC4AP (transient receptor potential cation channel subfamily C member 4 associated protein; minus strand). Cytogenetic location: 20q11.22.
Variant type: single nucleotide variant.
Coding change: c.1764G>A on transcript NM_015638.3 (MANE Select); coding-DNA position 1764, G replaced by A.
Protein change: p.Glu588=; no amino-acid change (glutamic acid 588 retained).
Molecular consequence: synonymous variant.
Genome position (GRCh38, 1-based): chr20:35,006,498, C>T on the plus strand (G>A on the coding strand, the complement: TRPC4AP is on the minus strand). VCF-style: chr20-35006498-C-T. GRCh37 (hg19) VCF-style: chr20-33594301-C-T.
Other names: c.1740G>A, p.Glu580= (NM_199368.2).
Identifiers: ClinVar variation 3067204 (VCV003067204.21), dbSNP rs139975509, ClinGen allele CA9829029.